The following is an entry in ClinVar:

NM_000466.3(PEX1):c.2085_2089del (p.Met695fs)

Gene: PEX1 (peroxisomal biogenesis factor 1; minus strand). Cytogenetic location: 7q21.2.
Variant type: Deletion.
Coding change: c.2085_2089del on transcript NM_000466.3 (MANE Select); coding-DNA positions 2085 to 2089, 5 bases deleted (GATAA; older notation c.2085_2089delGATAA).
Protein change: p.Met695fs; shifts the reading frame from methionine 695.
Molecular consequence: frameshift variant.
Genome position (GRCh38, 1-based): chr7:92,503,178-92,503,182, TTATC deleted on the plus strand (GATAA on the coding strand, the reverse complement: PEX1 is on the minus strand). VCF-style (leftmost placement, unchanged base first): chr7-92503177-TTTATC-T. GRCh37 (hg19) VCF-style: chr7-92132491-TTTATC-T.
Other names: c.2085_2089delGATAA (NM_000466.2); c.1914_1918del, p.Met638fs (NM_001282677.2); c.1461_1465del, p.Met487fs (NM_001282678.2); short protein forms M487fs, M638fs, M695fs.
Identifiers: ClinVar variation 813403 (VCV000813403.11), dbSNP rs267608178, ClinGen allele CA4341208.
Genomic context (GRCh38, chr7:92,503,177, plus strand): 5'-GATTGCTGAGACTGACTTGTGGCAATCAGTGCAACCAAACTTCCCATGGAGATAAACTCT[TTTATC>T]ATATCATTCAAAGCTGGAATTAAGCAATATAGTGCAAAAGCTTAGGAAAAGTAAACATGA-3'

ClinVar aggregate classification (germline): Pathogenic/Likely pathogenic. Review status: criteria provided, multiple submitters, no conflicts (2 of 4 stars). 6 submissions from 5 submitters: Pathogenic (5); Likely pathogenic (1). Last evaluated 2024-06-20.

Conditions:
Peroxisome biogenesis disorder 1A (Zellweger) (PBD1A). Also called: Zellweger leukodystrophy; Peroxisome biogenesis disorder 1a. Identifiers: MedGen C4721541, MONDO:0008953, OMIM 214100.
Heimler syndrome 1 (HMLR1). Also called: PEROXISOME BIOGENESIS DISORDER 1C. Identifiers: Orphanet 3220, MedGen C4551980, OMIM 234580, MONDO:0024544.
Peroxisome biogenesis disorder 1B (PBD1B). Also called: Refsum disease, infantile form; Infantile Refsum disease; Infantile form of phytanic acid storage disease; PEROXISOME BIOGENESIS DISORDER (NALD/IRD); ADRENOLEUKODYSTROPHY, AUTOSOMAL NEONATAL; PEROXISOME BIOGENESIS DISORDER (NEONATAL ADRENOLEUKODYSTROPHY/INFANTILE REFSUM DISEASE). Identifiers: Orphanet 44, MedGen C0282527, MONDO:0011101, OMIM 601539.
Zellweger spectrum disorders (ZS). Also called: Zellweger Spectrum Disorder; Zellweger Spectrum; Zellweger Spectrum Disorder (ZSD); Zellweger syndrome. Identifiers: Orphanet 912, MedGen C0043459, MONDO:0019609.
PEX1-related disorder. Also called: PEX1-related condition.

Allele frequency attached by ClinVar (database versions not stated): gnomAD exomes below 0.00001 and 0.00001; TOPMed below 0.00001; ExAC 0.00001.

Submissions (6):

Natera, Inc.
Classification: Pathogenic for Zellweger syndrome. Last evaluated: 2024-06-20. Review status: criteria provided, single submitter. Criteria: Natera Variant Classification Schema (03/2026). Collection method: clinical testing. Allele origin: germline.
Comment: The c.2085_2089delGATAA variant in PEX1 is a frameshift variant predicted to shift the reading frame beginning at codon 695 and leads to a stop codon 45 codons downstream. This variant is expected to result in nonsense mediated decay, truncation, or a dysfunctional protein product. This variant is rare in the general population with a frequency below the threshold expected for the associated phenotype(s). This variant has been observed in one or more individuals affected with the associated recessive disease, as either homozygous or compound heterozygous with a second variant (PMID: 15542397). Given the available evidence, this variant is classified as Pathogenic.

Fulgent Genetics
Classification: Pathogenic for Peroxisome biogenesis disorder 1A (Zellweger); Heimler syndrome 1; Peroxisome biogenesis disorder 1B. Last evaluated: 2024-01-29. Review status: criteria provided, single submitter. Criteria: ACMG Guidelines, 2015. Collection method: clinical testing. Allele origin: germline.

Labcorp Genetics (formerly Invitae), Labcorp
Classification: Pathogenic for Zellweger spectrum disorders. Last evaluated: 2024-01-29. Review status: criteria provided, single submitter. Criteria: Invitae Variant Classification Sherloc (09022015). Collection method: clinical testing. Allele origin: germline.
Comment: This sequence change creates a premature translational stop signal (p.Met695Ilefs*45) in the PEX1 gene. It is expected to result in an absent or disrupted protein product. Loss-of-function variants in PEX1 are known to be pathogenic (PMID: 21031596, 26387595, 31831025). This variant is present in population databases (rs267608178, gnomAD 0.003%). This premature translational stop signal has been observed in individual(s) with Zellweger syndrome spectrum (PMID: 15542397, 16141001). This variant is also known as Nt2085-2089delGATAA (I696fs). ClinVar contains an entry for this variant (Variation ID: 813403). For these reasons, this variant has been classified as Pathogenic.

Baylor Genetics
Classification: Pathogenic for Heimler syndrome 1. Last evaluated: 2023-12-23. Review status: criteria provided, single submitter. Criteria: ACMG Guidelines, 2015. Collection method: clinical testing. Allele origin: unknown.

Blueprint Genetics
Classification: Likely pathogenic for PEX1-related disorders. Last evaluated: 2022-06-29. Review status: criteria provided, single submitter. Criteria: ACMG Guidelines, 2015. Collection method: clinical testing. Allele origin: germline. Affected: yes. Observed: 3 variant alleles.

Baylor Genetics
Classification: Pathogenic for Peroxisome biogenesis disorder 1A (Zellweger); Peroxisome biogenesis disorder 1B. Review status: criteria provided, single submitter. Criteria: ACMG Guidelines, 2015. Collection method: clinical testing. Allele origin: germline.

Literature cited by the submitters: PubMed 15542397 (cited by Natera, Inc. and Labcorp Genetics (formerly Invitae), Labcorp); PubMed 21031596 (cited by Labcorp Genetics (formerly Invitae), Labcorp); PubMed 26387595 (cited by Labcorp Genetics (formerly Invitae), Labcorp); PubMed 31831025 (cited by Labcorp Genetics (formerly Invitae), Labcorp); PubMed 16141001 (cited by Labcorp Genetics (formerly Invitae), Labcorp).